The following is an entry in ClinVar:

ClinVar aggregate classification (germline): Uncertain significance. Review status: criteria provided, multiple submitters, no conflicts (2 of 4 stars). 2 submissions from 2 submitters: Uncertain significance (2). Last evaluated 2025-10-29.

Conditions:
Exostoses, multiple, type 2 (EXT2). Also called: Hereditary Multiple Osteochondromatosis, Type II; EXOSTOSES, MULTIPLE, TYPE II. Identifiers: Orphanet 321, MedGen C1851413, MONDO:0007586, OMIM 133701.

Allele frequency attached by ClinVar (database versions not stated): gnomAD 0.00001; gnomAD exomes 0.00001 and 0.00003; ExAC 0.00002; TOPMed 0.00003; ESP Exome Variant Server 0.00008.
gnomAD v4.1: 19 of 1,613,930 alleles (0.0012%); highest among the groups gnomAD compares: Admixed American, 0.0017%; no homozygotes.

Submissions (2):

Labcorp Genetics (formerly Invitae), Labcorp
Classification: Uncertain significance for Exostoses, multiple, type 2. Last evaluated: 2025-10-29. Review status: criteria provided, single submitter. Criteria: Invitae Variant Classification Sherloc (09022015). Collection method: clinical testing. Allele origin: germline.
Comment: This sequence change replaces arginine, which is basic and polar, with cysteine, which is neutral and slightly polar, at codon 522 of the EXT2 protein (p.Arg522Cys). This variant is present in population databases (rs145507609, gnomAD 0.007%). This variant has not been reported in the literature in individuals affected with EXT2-related conditions. ClinVar contains an entry for this variant (Variation ID: 465697). Invitae Evidence Modeling of protein sequence and biophysical properties (such as structural, functional, and spatial information, amino acid conservation, physicochemical variation, residue mobility, and thermodynamic stability) has been performed for this missense variant. However, the output from this modeling did not meet the statistical confidence thresholds required to predict the impact of this variant on EXT2 protein function. In summary, the available evidence is currently insufficient to determine the role of this variant in disease. Therefore, it has been classified as a Variant of Uncertain Significance.

CeGaT Center for Human Genetics Tuebingen
Classification: Uncertain significance. Last evaluated: 2023-03-01. Review status: criteria provided, single submitter. Criteria: CeGaT Center For Human Genetics Tuebingen Variant Classification Criteria Version 2. Collection method: clinical testing. Allele origin: germline. Affected: yes. Observed: 1 variant allele.
Comment: EXT2: PP3

NM_207122.2(EXT2):c.1564C>T (p.Arg522Cys)

Gene: EXT2 (exostosin glycosyltransferase 2; plus strand). Cytogenetic location: 11p11.2.
Variant type: single nucleotide variant.
Coding change: c.1564C>T on transcript NM_207122.2 (MANE Select); coding-DNA position 1564, C replaced by T.
Protein change: p.Arg522Cys; replaces arginine 522 with cysteine.
Molecular consequence: missense variant.
Genome position (GRCh38, 1-based): chr11:44,206,861, C>T. VCF-style: chr11-44206861-C-T. GRCh37 (hg19) VCF-style: chr11-44228411-C-T.
Other names: c.1663C>T, p.Arg555Cys (NM_000401.3); c.1594C>T, p.Arg532Cys (NM_001178083.3); c.1564C>T, p.Arg522Cys (NM_001389628.1, NM_001389630.1); short protein forms R555C, R522C, R532C.
Identifiers: ClinVar variation 465697 (VCV000465697.27), dbSNP rs145507609, ClinGen allele CA5955294.
Genomic context (GRCh38, chr11:44,206,861, plus strand): 5'-TGGCCCAAAATCCGGGTTCCATTAAAAGTTGTGAGGACTGCTGAAAACAAGTTAAGTAAC[C>T]GTTTCTTCCCTTATGATGAAATCGAGACAGAAGCTGTTCTGGCCATTGATGATGATATCA-3'
Protein context (NP_997005.1, residues 512-532): VRTAENKLSN[Arg522Cys]FFPYDEIETE